The following is an entry in ClinVar:

ClinVar aggregate classification (germline): Uncertain significance (1 of 4 stars; one submission).

Conditions:
Inborn genetic diseases. Identifiers: MedGen C0950123, MeSH D030342.

gnomAD v4.1: 1 of 1,613,712 alleles (0.000062%); highest among the groups gnomAD compares: Non-Finnish European, 0.000085%; no homozygotes.

Submission:

Ambry Genetics
Classification: Uncertain significance for Inborn genetic diseases. Last evaluated: 2026-07-23. Review status: criteria provided, single submitter. Criteria: Ambry Variant Classification Scheme 2023. Collection method: clinical testing. Allele origin: germline.
Comment: The c.472A>T (p.T158S) alteration is located in exon 3 (coding exon 3) of the GDAP1 gene. This alteration results from a A to T substitution at nucleotide position 472, causing the threonine (T) at amino acid position 158 to be replaced by a serine (S). Based on data from gnomAD, the T allele has an overall frequency of <0.001% (1/251454) total alleles studied. The highest observed frequency was 0.001% (1/113742) of European (non-Finnish) alleles. Based on insufficient or conflicting evidence, the clinical significance of this alteration remains unclear.

NM_018972.4(GDAP1):c.472A>T (p.Thr158Ser)

Gene: GDAP1 (ganglioside induced differentiation associated protein 1; plus strand). Cytogenetic location: 8q21.11.
Variant type: single nucleotide variant.
Coding change: c.472A>T on transcript NM_018972.4 (MANE Select); coding-DNA position 472, A replaced by T.
Protein change: p.Thr158Ser; replaces threonine 158 with serine.
Molecular consequence: missense variant. On other transcripts: intron variant (1).
Genome position (GRCh38, 1-based): chr8:74,360,298, A>T. VCF-style: chr8-74360298-A-T. GRCh37 (hg19) VCF-style: chr8-75272533-A-T.
Other names: c.145A>T, p.Thr49Ser (NM_001362929.2, NM_001362932.2); c.472A>T, p.Thr158Ser (NM_001362931.2); c.311-1586A>T (NM_001362930.2); c.268A>T, p.Thr90Ser (NM_001040875.4); short protein forms T158S, T90S, T49S.
Identifiers: ClinVar variation 5022259 (VCV005022259.1).